The following is an entry in ClinVar:

ClinVar aggregate classification (germline): Pathogenic/Likely pathogenic. Review status: criteria provided, multiple submitters, no conflicts (2 of 4 stars). 3 submissions from 3 submitters: Pathogenic (2); Likely pathogenic (1). Last evaluated 2026-09-11.

Conditions:
Alstrom syndrome (ALMS). Identifiers: Orphanet 64, MedGen C0268425, MONDO:0008763, OMIM 203800.

Submissions (3):

GeneDx
Classification: Pathogenic. Last evaluated: 2026-09-11. Review status: criteria provided, single submitter. Criteria: GeneDx Variant Classification Process June 2021. Collection method: clinical testing. Allele origin: germline.
Comment: Nonsense variant predicted to result in protein truncation or nonsense mediated decay in a gene for which loss of function is a known mechanism of disease; Not observed at significant frequency in large population cohorts (gnomAD); Has not been previously published as pathogenic or benign to our knowledge

Labcorp Genetics (formerly Invitae), Labcorp
Classification: Pathogenic for Alstrom syndrome. Last evaluated: 2025-06-02. Review status: criteria provided, single submitter. Criteria: Invitae Variant Classification Sherloc (09022015). Collection method: clinical testing. Allele origin: germline.
Comment: This sequence change creates a premature translational stop signal (p.Gln874*) in the ALMS1 gene. It is expected to result in an absent or disrupted protein product. Loss-of-function variants in ALMS1 are known to be pathogenic (PMID: 17594715). This variant is not present in population databases (gnomAD no frequency). This variant has not been reported in the literature in individuals affected with ALMS1-related conditions. ClinVar contains an entry for this variant (Variation ID: 816972). For these reasons, this variant has been classified as Pathogenic.

Natera, Inc.
Classification: Likely pathogenic for Alstrom syndrome. Last evaluated: 2025-04-19. Review status: criteria provided, single submitter. Criteria: Natera Variant Classification Schema (03/2026). Collection method: clinical testing. Allele origin: germline.
Comment: The c.2620C>T variant in ALMS1 is a nonsense variant predicted to introduce a stop codon at amino acid 874. This variant is expected to result in nonsense mediated decay, truncation, or a dysfunctional protein product. This variant is rare in the general population with a frequency below the threshold expected for the associated phenotype(s). Given the available evidence, this variant is classified as Likely Pathogenic.

Literature cited by the submitters: PubMed 17594715 (cited by Labcorp Genetics (formerly Invitae), Labcorp).

NM_001378454.1(ALMS1):c.2617C>T (p.Gln873Ter)

Gene: ALMS1 (ALMS1 centrosome and basal body associated protein; plus strand). Cytogenetic location: 2p13.1.
Variant type: single nucleotide variant.
Coding change: c.2617C>T on transcript NM_001378454.1 (MANE Select); coding-DNA position 2617, C replaced by T.
Protein change: p.Gln873Ter; replaces glutamine 873 with a stop codon.
Molecular consequence: nonsense.
Genome position (GRCh38, 1-based): chr2:73,449,144, C>T. VCF-style: chr2-73449144-C-T. GRCh37 (hg19) VCF-style: chr2-73676271-C-T.
Other names: c.2620C>T, p.Gln874Ter (NM_015120.4); short protein forms Q874*, Q873*.
Identifiers: ClinVar variation 816972 (VCV000816972.8), dbSNP rs1572932845, ClinGen allele CA347270752.